The following is an entry in ClinVar:

NM_033655.5(CNTNAP3):c.2706C>T (p.Ala902=)

Gene: CNTNAP3 (contactin associated protein family member 3). Cytogenetic location: 9p12.
Variant type: single nucleotide variant.
Coding change: c.2706C>T on transcript NM_033655.5 (MANE Select); coding-DNA position 2706, C replaced by T.
Protein change: p.Ala902=; no amino-acid change (alanine 902 retained).
Molecular consequence: synonymous variant.
Genome position (GRCh38, 1-based): chr9:39,102,546, G>A on the plus strand (C>T on the coding strand, the complement: CNTNAP3 is on the minus strand). VCF-style: chr9-39102546-G-A. GRCh37 (hg19) VCF-style: chr9-39102543-G-A.
Other names: c.2703C>T, p.Ala901= (NM_001393379.1).
Identifiers: ClinVar variation 3771227 (VCV003771227.13).

ClinVar aggregate classification (germline): Likely benign (1 of 4 stars; one submission).

Submission:

CeGaT Center for Human Genetics Tuebingen
Classification: Likely benign. Last evaluated: 2026-04-01. Review status: criteria provided, single submitter. Criteria: CeGaT Center For Human Genetics Tuebingen Variant Classification Criteria Version 2. Collection method: clinical testing. Allele origin: germline. Affected: yes. Observed: 2 variant alleles.
Comment: CNTNAP3: BP4, BP7